The following is an entry in ClinVar:

NM_001165963.4(SCN1A):c.2891G>T (p.Gly964Val)

Gene: SCN1A (sodium voltage-gated channel alpha subunit 1; minus strand). Cytogenetic location: 2q24.3.
Variant type: single nucleotide variant.
Coding change: c.2891G>T on transcript NM_001165963.4 (MANE Select); coding-DNA position 2891, G replaced by T.
Protein change: p.Gly964Val; replaces glycine 964 with valine.
Molecular consequence: missense variant. On other transcripts: non-coding transcript variant (1).
Genome position (GRCh38, 1-based): chr2:166,037,831, C>A on the plus strand (G>T on the coding strand, the complement: SCN1A is on the minus strand). VCF-style: chr2-166037831-C-A. GRCh37 (hg19) VCF-style: chr2-166894341-C-A.
Other names: c.2855G>T, p.Gly952Val (NM_001353954.2, NM_001353955.2); c.2807G>T, p.Gly936Val (NM_001353957.2, NM_001353958.2, NM_001165964.3); c.2804G>T, p.Gly935Val (NM_001353960.2); c.449G>T, p.Gly150Val (NM_001353961.2); c.2858G>T, p.Gly953Val (NM_006920.6, NM_001353949.2, NM_001353950.2 and 2 more transcripts); c.2891G>T, p.Gly964Val (NM_001202435.3, NM_001353948.2); short protein forms G150V, G936V, G964V, G935V, G953V, G952V.
Identifiers: ClinVar variation 1995600 (VCV001995600.4), dbSNP rs2468095030, ClinGen allele CA349060968.

ClinVar aggregate classification (germline): Uncertain significance (1 of 4 stars; one submission).

Conditions:
Early-infantile DEE. Also called: Ohtahara syndrome; Early infantile epileptic encephalopathy; Early infantile epileptic encephalopathy with suppression bursts. Identifiers: Orphanet 1934, MedGen C0393706, MONDO:0800491.

Submission:

Labcorp Genetics (formerly Invitae), Labcorp
Classification: Uncertain significance for Early-infantile DEE. Last evaluated: 2025-10-16. Review status: criteria provided, single submitter. Criteria: Invitae Variant Classification Sherloc (09022015). Collection method: clinical testing. Allele origin: germline.
Comment: This sequence change replaces glycine, which is neutral and non-polar, with valine, which is neutral and non-polar, at codon 964 of the SCN1A protein (p.Gly964Val). This variant is not present in population databases (gnomAD no frequency). This variant has not been reported in the literature in individuals affected with SCN1A-related conditions. ClinVar contains an entry for this variant (Variation ID: 1995600). Invitae Evidence Modeling of protein sequence and biophysical properties (such as structural, functional, and spatial information, amino acid conservation, physicochemical variation, residue mobility, and thermodynamic stability) indicates that this missense variant is expected to disrupt SCN1A protein function with a positive predictive value of 95%. In summary, the available evidence is currently insufficient to determine the role of this variant in disease. Therefore, it has been classified as a Variant of Uncertain Significance.